The following is an entry in ClinVar:

NC_000006.11:g.(?_117786180)_(117997268_?)dup

Genes: DCBLD1 (discoidin, CUB and LCCL domain containing 1; plus strand), GOPC (golgi associated PDZ and coiled-coil motif containing; minus strand), NUS1 (NUS1 dehydrodolichyl diphosphate synthase subunit; plus strand). Cytogenetic location: 6q22.1.
Variant type: Duplication.
Identifiers: ClinVar variation 2427243 (VCV002427243.3).

ClinVar aggregate classification (germline): Uncertain significance (1 of 4 stars; one submission).

Conditions:
Congenital disorder of glycosylation, type Iaa. Also called: Congenital disorder of glycosylation, type 1aa. Identifiers: MedGen C4310727, MONDO:0014904, OMIM 617082.

Submission:

Labcorp Genetics (formerly Invitae), Labcorp
Classification: Uncertain significance for Congenital disorder of glycosylation, type Iaa. Last evaluated: 2022-07-18. Review status: criteria provided, single submitter. Criteria: Invitae Variant Classification Sherloc (09022015). Collection method: clinical testing. Allele origin: germline.
Comment: This variant results in a copy number gain of the genomic region encompassing exon(s) 1 of the NUS1 gene. This region includes the initiator codon of the gene. This copy number gain extends beyond the assayed region for this gene and therefore may encompass additional genes. As the precise location of this event is unknown, it may be in tandem or it may be located elsewhere in the genome. This variant has not been reported in the literature in individuals affected with NUS1-related conditions. In summary, the available evidence is currently insufficient to determine the role of this variant in disease. Therefore, it has been classified as a Variant of Uncertain Significance.